The following is an entry in ClinVar:

ClinVar aggregate classification (germline): Benign. Review status: criteria provided, multiple submitters, no conflicts (2 of 4 stars). 14 submissions from 12 submitters: Benign (11). 3 of the submissions do not count toward it. Last evaluated 2026-02-04.

Conditions:
Usher syndrome type 1 (USH1). Also called: RETINITIS PIGMENTOSA AND CONGENITAL DEAFNESS. Identifiers: Orphanet 231169, Orphanet 886, MedGen C1568247, MONDO:0010168, OMIM 276900.
Usher syndrome type 1D (USH1D). Also called: USHER SYNDROME, TYPE ID. Identifiers: Orphanet 231169, Orphanet 886, MedGen C1832845, MONDO:0010984, OMIM 601067.
Autosomal recessive nonsyndromic hearing loss 12. Also called: DEAFNESS, AUTOSOMAL RECESSIVE 12. Identifiers: Orphanet 90636, MedGen C1832394, MONDO:0011067, OMIM 601386.

Allele frequency attached by ClinVar (database versions not stated): gnomAD exomes 0.66140 and 0.66268; ExAC 0.67207; TOPMed 0.72739; 1000 Genomes Project 0.73462; 1000 Genomes Project 30x 0.73517; gnomAD 0.73608 and 0.74285; ESP Exome Variant Server 0.74960.
gnomAD v4.1: 1,081,366 of 1,613,518 alleles (67%); highest among the groups gnomAD compares: African/African-American, 94%; 367,376 homozygotes.

Submissions (14):

Labcorp Genetics (formerly Invitae), Labcorp
Classification: Benign. Last evaluated: 2026-02-04. Review status: criteria provided, single submitter. Criteria: Invitae Variant Classification Sherloc (09022015). Collection method: clinical testing. Allele origin: germline.

Women's Health and Genetics/Laboratory Corporation of America, LabCorp
Classification: Benign. Last evaluated: 2025-11-14. Review status: criteria provided, single submitter. Criteria: LabCorp Variant Classification Summary - May 2015. Collection method: clinical testing. Allele origin: germline.

Genome-Nilou Lab
Classification: Benign for Usher syndrome type 1D. Last evaluated: 2021-07-01. Review status: criteria provided, single submitter. Criteria: ACMG Guidelines, 2015. Collection method: clinical testing. Allele origin: germline. Affected: no.

Genome-Nilou Lab
Classification: Benign for Autosomal recessive nonsyndromic hearing loss 12. Last evaluated: 2021-07-01. Review status: criteria provided, single submitter. Criteria: ACMG Guidelines, 2015. Collection method: clinical testing. Allele origin: germline. Affected: no.

Mayo Clinic Laboratories, Mayo Clinic
Classification: Benign. Last evaluated: 2019-06-21. Review status: criteria provided, single submitter. Criteria: ACMG Guidelines, 2015. Collection method: clinical testing. Allele origin: germline. Observed: 137 variant alleles.

Illumina Laboratory Services, Illumina
Classification: Benign for Autosomal recessive nonsyndromic hearing loss 12. Last evaluated: 2018-01-12. Review status: criteria provided, single submitter. Criteria: ICSL Variant Classification Criteria 13 December 2019. Collection method: clinical testing. Allele origin: germline.
Comment: This variant was observed in the ICSL laboratory as part of a predisposition screen in an ostensibly healthy population. It had not been previously curated by ICSL or reported in the Human Gene Mutation Database (HGMD: prior to June 1st, 2018), and was therefore a candidate for classification through an automated scoring system. Utilizing variant allele frequency, disease prevalence and penetrance estimates, and inheritance mode, an automated score was calculated to assess if this variant is too frequent to cause the disease. Based on the score and internal cut-off values, a variant classified as benign is not then subjected to further curation. The score for this variant resulted in a classification of benign for this disease.

Illumina Laboratory Services, Illumina
Classification: Benign for Usher syndrome type 1D. Last evaluated: 2018-01-12. Review status: criteria provided, single submitter. Criteria: ICSL Variant Classification Criteria 13 December 2019. Collection method: clinical testing. Allele origin: germline.
Comment: the same text as in the submission from Illumina Laboratory Services, Illumina above.

GeneDx
Classification: Benign. Last evaluated: 2015-03-03. Review status: criteria provided, single submitter. Criteria: GeneDx Variant Classification Process June 2021. Collection method: clinical testing. Allele origin: germline. Affected: yes.

Laboratory for Molecular Medicine, Mass General Brigham Personalized Medicine
Classification: Benign. Last evaluated: 2012-02-02. Review status: criteria provided, single submitter. Criteria: LMM Criteria. Collection method: clinical testing. Allele origin: germline. Observed: 1,599 variant alleles.
Comment: Inferred frequency = 136/301

Breakthrough Genomics
Classification: Benign. Review status: criteria provided, single submitter. Criteria: ACMG Guidelines, 2015. Collection method: not provided. Allele origin: germline. Inheritance: Autosomal recessive inheritance. Affected: yes.

PreventionGenetics, part of Exact Sciences
Classification: Benign. Review status: criteria provided, single submitter. Criteria: ACMG Guidelines, 2015. Collection method: clinical testing. Allele origin: germline.

Natera, Inc.
Classification: Benign for Usher syndrome type 1. Last evaluated: 2020-09-16. Review status: no assertion criteria provided. Collection method: clinical testing. Allele origin: germline. Not counted in ClinVar's aggregate classification.

Diagnostic Laboratory, Department of Genetics, University Medical Center Groningen
Classification: Benign. Review status: no assertion criteria provided. Collection method: clinical testing. Allele origin: germline. Affected: yes. Study: VKGL Data-share Consensus. Not counted in ClinVar's aggregate classification.

Joint Genome Diagnostic Labs from Nijmegen and Maastricht, Radboudumc and MUMC+
Classification: Benign. Review status: no assertion criteria provided. Collection method: clinical testing. Allele origin: germline. Affected: yes. Study: VKGL Data-share Consensus. Not counted in ClinVar's aggregate classification.

NM_022124.6(CDH23):c.366T>C (p.Val122=)

Genes: CDH23 (cadherin related 23; plus strand), CDH23-AS1 (CDH23 antisense RNA 1; minus strand). Cytogenetic location: 10q22.1.
Variant type: single nucleotide variant.
Coding change: c.366T>C on transcript NM_022124.6 (MANE Select); coding-DNA position 366, T replaced by C.
Protein change: p.Val122=; no amino-acid change (valine 122 retained).
Molecular consequence: synonymous variant.
Genome position (GRCh38, 1-based): chr10:71,511,149, T>C. VCF-style: chr10-71511149-T-C. GRCh37 (hg19) VCF-style: chr10-73270906-T-C.
Other names: p.Val122=; c.366T>C, p.Val122= (NM_001171930.2, NM_001171931.2, NM_001171932.2 and 1 more transcripts).
Identifiers: ClinVar variation 45928 (VCV000045928.31), dbSNP rs3802720, ClinGen allele CA137391.